The following is an entry in ClinVar:

ClinVar aggregate classification (germline): Likely pathogenic (1 of 4 stars; one submission).

Conditions:
Usher syndrome type 2A. Also called: RETINAL DISEASE IN USHER SYNDROME TYPE IIA, MODIFIER OF; USHER SYNDROME, TYPE IIA. Identifiers: Orphanet 231178, Orphanet 886, MedGen C1848634, MONDO:0010169, OMIM 276901.

Submission:

Myriad Genetics, Inc.
Classification: Likely pathogenic for Usher syndrome type 2A. Last evaluated: 2022-01-28. Review status: criteria provided, single submitter. Criteria: Myriad Women's Health Autosomal Recessive and X-Linked Classification Criteria (2021). Collection method: clinical testing. Allele origin: unknown.
Comment: NM_206933.2(USH2A):c.2962_2964delCATinsAA(H988Nfs*23) is expected to be pathogenic in the context of USH2A-related disorders. This variant is predicted to lead to an abnormal or absent protein product due to the creation of a premature termination codon in USH2A, a gene where loss-of-function variants are known to be pathogenic. Please note: this variant was assessed in the context of healthy population screening.

NM_206933.4(USH2A):c.2962_2964delinsAA (p.His988fs)

Genes: USH2A (usherin; minus strand), USH2A-AS1 (USH2A antisense RNA 1; plus strand). Cytogenetic location: 1q41.
Variant type: Indel.
Coding change: c.2962_2964delinsAA on transcript NM_206933.4 (MANE Select); coding-DNA positions 2962 to 2964, CAT replaced by AA.
Protein change: p.His988fs; shifts the reading frame from histidine 988.
Molecular consequence: frameshift variant.
Genome position (GRCh38, 1-based): chr1:216,231,982-216,231,984, ATG replaced by TT on the plus strand (CAT replaced by AA on the coding strand, the reverse complement: USH2A is on the minus strand). VCF-style: chr1-216231982-ATG-TT. GRCh37 (hg19) VCF-style: chr1-216405324-ATG-TT.
Other names: c.2962_2964delinsAA, p.His988fs (NM_007123.6); short protein forms H988fs.
Identifiers: ClinVar variation 1724172 (VCV001724172.2), dbSNP rs2528126437, ClinGen allele CA2580062249.